The following is an entry in ClinVar:

ClinVar aggregate classification (germline): Likely pathogenic (1 of 4 stars; one submission).

Submission:

Labcorp Genetics (formerly Invitae), Labcorp
Classification: Likely pathogenic. Last evaluated: 2024-09-19. Review status: criteria provided, single submitter. Criteria: Invitae Variant Classification Sherloc (09022015). Collection method: clinical testing. Allele origin: germline.
Comment: This sequence change affects a donor splice site in intron 11 of the DYNC2LI1 gene. It is expected to disrupt RNA splicing. Variants that disrupt the donor or acceptor splice site typically lead to a loss of protein function (PMID: 16199547), and loss-of-function variants in DYNC2LI1 are known to be pathogenic (PMID: 26077881, 26130459). This variant is not present in population databases (gnomAD no frequency). This variant has not been reported in the literature in individuals affected with DYNC2LI1-related conditions. Algorithms developed to predict the effect of sequence changes on RNA splicing suggest that this variant may disrupt the consensus splice site. In summary, the currently available evidence indicates that the variant is pathogenic, but additional data are needed to prove that conclusively. Therefore, this variant has been classified as Likely Pathogenic.

Literature cited by the submitters: PubMed 16199547; PubMed 26077881; PubMed 26130459.

NM_016008.4(DYNC2LI1):c.900+1G>T

Gene: DYNC2LI1 (dynein cytoplasmic 2 light intermediate chain 1; plus strand). Cytogenetic location: 2p21.
Variant type: single nucleotide variant.
Coding change: c.900+1G>T on transcript NM_016008.4 (MANE Select); the canonical splice donor site of the intron after coding-DNA position 900, G replaced by T.
Molecular consequence: splice donor variant.
Genome position (GRCh38, 1-based): chr2:43,804,740, G>T. VCF-style: chr2-43804740-G-T. GRCh37 (hg19) VCF-style: chr2-44031879-G-T.
Other names: c.903+1G>T (NM_001348913.2, NM_001193464.2); c.900+1G>T (NM_001348912.2).
Identifiers: ClinVar variation 3614925 (VCV003614925.2).
Genomic context (GRCh38, chr2:43,804,740, plus strand): 5'-CATGCCCACTCACCTATGGAGTTGTGGAAAAAAGTGTATGAAAAGCTCTTTCCACCAAAG[G>T]TACATATTTCTAATTTTTTTAAAAGCAAGACTTTTAGCACTGTCTAACAGTTATAGGAAA-3'